The following is an entry in ClinVar:

NM_000321.3(RB1):c.2401G>T (p.Gly801Ter)

Gene: RB1 (RB transcriptional corepressor 1; plus strand). Cytogenetic location: 13q14.2.
Variant type: single nucleotide variant.
Coding change: c.2401G>T on transcript NM_000321.3 (MANE Select); coding-DNA position 2401, G replaced by T.
Protein change: p.Gly801Ter; replaces glycine 801 with a stop codon.
Molecular consequence: nonsense.
Genome position (GRCh38, 1-based): chr13:48,465,280, G>T. VCF-style: chr13-48465280-G-T. GRCh37 (hg19) VCF-style: chr13-49039416-G-T.
Other names: c.2401G>T, p.Gly801Ter (NM_001407165.1); short protein forms G801*.
Identifiers: ClinVar variation 2751030 (VCV002751030.4), dbSNP rs2138345814, ClinGen allele CA388167901.
Genomic context (GRCh38, chr13:48,465,280, plus strand): 5'-CCAATACCTCACATTCCTCGAAGCCCTTACAAGTTTCCTAGTTCACCCTTACGGATTCCT[G>T]GAGGGAACATCTATATTTCACCCCTGAAGAGTCCATATAAAATTTCAGAAGGTCTGCCAA-3'

ClinVar aggregate classification (germline): Pathogenic. Review status: criteria provided, multiple submitters, no conflicts (2 of 4 stars). 2 submissions from 2 submitters: Pathogenic (2). Last evaluated 2026-05-29.

Conditions:
Retinoblastoma (RB1). Also called: RETINOBLASTOMA, SOMATIC. Identifiers: Orphanet 790, MedGen C0035335, MeSH D012175, MONDO:0008380, OMIM 180200, HP:0009919. Disease mechanism: loss of function. Inheritance: Both sporadic and heritable forms are tested..

Submissions (2):

Diller/Parad Lab, Dana-Farber/Harvard Cancer Center
Classification: Pathogenic for Retinoblastoma. Last evaluated: 2026-05-29. Review status: criteria provided, single submitter. Criteria: ACMG Guidelines, 2015. Collection method: research. Allele origin: germline. Affected: yes.
Comment: It has been classified as Pathogenic using Richards et al (PMID:25741868) based on the following evidence codes: PM2, PVS1, PP3.

Labcorp Genetics (formerly Invitae), Labcorp
Classification: Pathogenic for Retinoblastoma. Last evaluated: 2023-08-14. Review status: criteria provided, single submitter. Criteria: Invitae Variant Classification Sherloc (09022015). Collection method: clinical testing. Allele origin: germline.
Comment: This variant has not been reported in the literature in individuals affected with RB1-related conditions. For these reasons, this variant has been classified as Pathogenic. This variant is not present in population databases (gnomAD no frequency). This sequence change creates a premature translational stop signal (p.Gly801*) in the RB1 gene. It is expected to result in an absent or disrupted protein product. Loss-of-function variants in RB1 are known to be pathogenic (PMID: 17096365).

Literature cited by the submitters: PubMed 17096365 (cited by Labcorp Genetics (formerly Invitae), Labcorp).